The following is an entry in ClinVar:

NM_004364.5(CEBPA):c.310G>A (p.Gly104Ser)

Gene: CEBPA (CCAAT enhancer binding protein alpha; minus strand). Cytogenetic location: 19q13.11.
Variant type: single nucleotide variant.
Coding change: c.310G>A on transcript NM_004364.5 (MANE Select); coding-DNA position 310, G replaced by A.
Protein change: p.Gly104Ser; replaces glycine 104 with serine.
Molecular consequence: missense variant. On other transcripts: 5 prime UTR variant (1).
Genome position (GRCh38, 1-based): chr19:33,302,105, C>T on the plus strand (G>A on the coding strand, the complement: CEBPA is on the minus strand). VCF-style: chr19-33302105-C-T. GRCh37 (hg19) VCF-style: chr19-33793011-C-T.
Other names: c.310G>A (NM_004364.4, NM_004364.3); c.-48G>A (NM_001285829.2); c.415G>A, p.Gly139Ser (NM_001287424.2); c.268G>A, p.Gly90Ser (NM_001287435.2); short protein forms G104S, G139S, G90S.
Identifiers: ClinVar variation 1049258 (VCV001049258.10), dbSNP rs1216191482, ClinGen allele CA405275220.

ClinVar aggregate classification (germline): Conflicting classifications of pathogenicity. Review status: criteria provided, conflicting classifications (1 of 4 stars). 5 submissions from 5 submitters: Uncertain significance (3); Likely benign (1). 1 of the submissions does not count toward it. Last evaluated 2026-02-20.

Conditions:
Acute myeloid leukemia (AML). Also called: Leukemia, acute myeloid, somatic; Leukemia, acute myelogenous, somatic; Acute myeloid leukemia, adult; AML adult; Acute non-lymphocytic leukemia; Acute granulocytic leukemia. Identifiers: Orphanet 519, MedGen C0023467, MeSH D015470, MONDO:0018874, OMIM 601626, HP:0004808. Disease mechanism: Constitutively activated FLT3.
Inborn genetic diseases. Identifiers: MedGen C0950123, MeSH D030342.

Allele frequency attached by ClinVar (database versions not stated): gnomAD exomes below 0.00001; gnomAD 0.00001.

Submissions (5):

St. Jude Molecular Pathology, St. Jude Children's Research Hospital
Classification: Uncertain significance for Acute myeloid leukemia. Last evaluated: 2026-02-20. Review status: criteria provided, single submitter. Criteria: St. Jude Assertion Criteria 2020. Collection method: clinical testing. Allele origin: germline.
Comment: The CEBPA c.310G>A p.(Gly104Ser) missense change has an unreliable population frequency estimate in gnomAD v2.1.1 due to poor data quality at this location. The in silico tool REVEL predicts a benign effect on protein function, but to our knowledge this prediction has not been confirmed by functional studies. This variant has been reported in somatic ti ssue of an individual diagnosed with myelodysplastic syndrome (PMID: 37586297). To our knowledge, this variant has not been reported in individuals with familial acute myeloid leukemia. In summary, the evidence currently available is insufficient to dete rmine the clinical significance of this variant. It has therefore been classified as of uncertain significance.

Ambry Genetics
Classification: Likely benign for Inborn genetic diseases. Last evaluated: 2025-08-06. Review status: criteria provided, single submitter. Criteria: Ambry Variant Classification Scheme 2023. Collection method: clinical testing. Allele origin: germline.

Labcorp Genetics (formerly Invitae), Labcorp
Classification: Uncertain significance for Acute myeloid leukemia. Last evaluated: 2024-04-30. Review status: criteria provided, single submitter. Criteria: Invitae Variant Classification Sherloc (09022015). Collection method: clinical testing. Allele origin: germline.
Comment: This sequence change replaces glycine, which is neutral and non-polar, with serine, which is neutral and polar, at codon 104 of the CEBPA protein (p.Gly104Ser). This variant is not present in population databases (gnomAD no frequency). This variant has not been reported in the literature in individuals affected with CEBPA-related conditions. ClinVar contains an entry for this variant (Variation ID: 1049258). Advanced modeling of protein sequence and biophysical properties (such as structural, functional, and spatial information, amino acid conservation, physicochemical variation, residue mobility, and thermodynamic stability) performed at Invitae indicates that this missense variant is not expected to disrupt CEBPA protein function with a negative predictive value of 80%. In summary, the available evidence is currently insufficient to determine the role of this variant in disease. Therefore, it has been classified as a Variant of Uncertain Significance.

Baylor Genetics
Classification: Uncertain significance for Acute myeloid leukemia. Last evaluated: 2023-08-06. Review status: criteria provided, single submitter. Criteria: ACMG Guidelines, 2015. Collection method: clinical testing. Allele origin: unknown.

Department of Pathology and Laboratory Medicine, Sinai Health System
Classification: Uncertain significance. Review status: no assertion criteria provided. Collection method: clinical testing. Allele origin: unknown. Affected: yes. Study: The Canadian Open Genetics Repository (COGR). Not counted in ClinVar's aggregate classification.
Comment: The CEBPA p.Gly90Ser variant was not identified in the literature nor was it identified in ClinVar, Cosmic or LOVD 3.0. The variant was identified in dbSNP (ID: rs1216191482) but was not identified in the following control databases: the 1000 Genomes Project, the NHLBI GO Exome Sequencing Project, the Exome Aggregation Consortium (August 8th 2016), or the Genome Aggregation Database (March 6, 2019, v2.1.1). The p.Gly90 residue is conserved across mammals and other organisms however four out of five computational analyses (PolyPhen-2, SIFT, AlignGVGD, BLOSUM, MutationTaster) do not suggest a high likelihood of impact to the protein; this information is not predictive enough to rule out pathogenicity. The variant occurs outside of the splicing consensus sequence and in silico or computational prediction software programs (SpliceSiteFinder, MaxEntScan, NNSPLICE, GeneSplicer) do not predict a difference in splicing. In summary, based on the above information the clinical significance of this variant cannot be determined with certainty at this time. This variant is classified as a variant of uncertain significance.